The following is an entry in ClinVar:

ClinVar aggregate classification (germline): Uncertain significance (1 of 4 stars; one submission).

Conditions:
Microcephaly 20, primary, autosomal recessive. Identifiers: MedGen C4693572, MONDO:0054761, OMIM 617914.

Submission:

Victorian Clinical Genetics Services, Murdoch Childrens Research Institute
Classification: Uncertain significance for Microcephaly 20, primary, autosomal recessive. Last evaluated: 2023-12-21. Review status: criteria provided, single submitter. Criteria: ACMG Guidelines, 2015. Collection method: clinical testing. Allele origin: germline. Inheritance: Autosomal recessive inheritance. Affected: yes.
Comment: Based on the classification scheme VCGS_Germline_v1.3.4, this variant is classified as VUS-3B. Following criteria are met: 0102 - Loss of function is a known mechanism of disease in this gene and is associated with autosomal recessive primary microcephaly 20 (MIM#617914). (I) 0106 - This gene is associated with autosomal recessive disease. (I) 0216 - In-frame insertion/deletion in a non-repetitive region that has low conservation. (SP) 0251 - This variant is heterozygous. (I) 0301 - Variant is absent from gnomAD (both v2 and v3). (SP) 0604 - Variant is not located in an established domain, motif, hotspot or informative constraint region. (I) 0705 - No comparable insertion variants have previous evidence for pathogenicity. (I) 0807 - This variant has no previous evidence of pathogenicity. (I) 0905 - No published segregation evidence has been identified for this variant. (I) 1007 - No published functional evidence has been identified for this variant. (I) 1208 - Inheritance information for this variant is not currently available in this individual. (I) Legend: (SP) - Supporting pathogenic, (I) - Information, (SB) - Supporting benign

NM_014875.3(KIF14):c.378_383dup (p.Thr127_Asp128insGluThr)

Gene: KIF14 (kinesin family member 14; minus strand). Cytogenetic location: 1q32.1.
Variant type: Duplication.
Coding change: c.378_383dup on transcript NM_014875.3 (MANE Select); coding-DNA positions 378 to 383, 6 bases duplicated (AACAGA; older notation c.378_383dupAACAGA).
Protein change: p.Thr127_Asp128insGluThr.
Molecular consequence: inframe insertion. On other transcripts: 5 prime UTR variant (1).
Genome position (GRCh38, 1-based): chr1:200,618,341-200,618,346, TCTGTT duplicated on the plus strand (AACAGA on the coding strand, the reverse complement: KIF14 is on the minus strand); duplicating any 6 consecutive bases within chr1:200,618,341-200,618,347 gives the same sequence; the c. name uses the placement nearest the transcript's 3' end. VCF-style (leftmost placement, unchanged base first): chr1-200618340-A-ATCTGTT. GRCh37 (hg19) VCF-style: chr1-200587468-A-ATCTGTT.
Other names: c.-1008_-1003dup (NM_001305792.1).
Identifiers: ClinVar variation 3254951 (VCV003254951.1), dbSNP rs2527807220.
Genomic context (GRCh38, chr1:200,618,340, plus strand): 5'-TCCCACATTCAGTGTCATTTTGACAGAATCTATTTCAGCTGTTTTCCACTTTTCTGCAGA[A>ATCTGTT]TCTGTTTTAGCACGACGTTGTAATGTAAGACGTGTTTCTGCTGTTTTTTCAGTTGTGTCT-3'